The following is an entry in ClinVar:

ClinVar aggregate classification (germline): Uncertain significance (1 of 4 stars; one submission).

Submission:

Labcorp Genetics (formerly Invitae), Labcorp
Classification: Uncertain significance. Last evaluated: 2023-07-13. Review status: criteria provided, single submitter. Criteria: Invitae Variant Classification Sherloc (09022015). Collection method: clinical testing. Allele origin: germline.
Comment: This sequence change replaces glutamine, which is neutral and polar, with lysine, which is basic and polar, at codon 809 of the LRRC8A protein (p.Gln809Lys). This variant is not present in population databases (gnomAD no frequency). This variant has not been reported in the literature in individuals affected with LRRC8A-related conditions. An algorithm developed to predict the effect of missense changes on protein structure and function (PolyPhen-2) suggests that this variant is likely to be tolerated. In summary, the available evidence is currently insufficient to determine the role of this variant in disease. Therefore, it has been classified as a Variant of Uncertain Significance.

NM_019594.4(LRRC8A):c.2425C>A (p.Gln809Lys)

Gene: LRRC8A (leucine rich repeat containing 8 VRAC subunit A; plus strand). Cytogenetic location: 9q34.11.
Variant type: single nucleotide variant.
Coding change: c.2425C>A on transcript NM_019594.4 (MANE Select); coding-DNA position 2425, C replaced by A.
Protein change: p.Gln809Lys; replaces glutamine 809 with lysine.
Molecular consequence: missense variant.
Genome position (GRCh38, 1-based): chr9:128,916,363, C>A. VCF-style: chr9-128916363-C-A. GRCh37 (hg19) VCF-style: chr9-131678642-C-A.
Other names: c.2425C>A, p.Gln809Lys (NM_001127244.2, NM_001127245.2); short protein forms Q809K.
Identifiers: ClinVar variation 2742691 (VCV002742691.3), dbSNP rs1406343187, ClinGen allele CA375093802.